The following is an entry in ClinVar:

ClinVar aggregate classification (germline): Likely benign (0 of 4 stars; one submission).

Conditions:
DROSHA-related disorder. Also called: DROSHA-related condition.

Submission:

PreventionGenetics, part of Exact Sciences
Classification: Likely benign for DROSHA-related condition. Last evaluated: 2024-06-28. Review status: no assertion criteria provided. Collection method: clinical testing. Allele origin: germline.
Comment: This variant is classified as likely benign based on ACMG/AMP sequence variant interpretation guidelines (Richards et al. 2015 PMID: 25741868, with internal and published modifications).

NM_001382508.1(DROSHA):c.3751-9C>T

Gene: DROSHA (drosha ribonuclease III; minus strand). Cytogenetic location: 5p13.3.
Variant type: single nucleotide variant.
Coding change: c.3751-9C>T on transcript NM_001382508.1 (MANE Select); 9 bases into the intron before coding-DNA position 3751, C replaced by T.
Molecular consequence: intron variant.
Genome position (GRCh38, 1-based): chr5:31,409,168, G>A on the plus strand (C>T on the coding strand, the complement: DROSHA is on the minus strand). VCF-style: chr5-31409168-G-A. GRCh37 (hg19) VCF-style: chr5-31409275-G-A.
Other names: c.3751-9C>T (NM_013235.5); c.3640-9C>T (NM_001100412.2).
Identifiers: ClinVar variation 3344752 (VCV003344752.1).